The following is an entry in ClinVar:

NM_000277.3(PAH):c.864G>C (p.Leu288Phe)

Genes: PAH (phenylalanine hydroxylase; minus strand), LOC126861615 (CDK7 strongly-dependent group 2 enhancer GRCh37_chr12:103244689-103245888; plus strand). Cytogenetic location: 12q23.2.
Variant type: single nucleotide variant.
Coding change: c.864G>C on transcript NM_000277.3 (MANE Select); coding-DNA position 864, G replaced by C.
Protein change: p.Leu288Phe; replaces leucine 288 with phenylalanine.
Molecular consequence: missense variant.
Genome position (GRCh38, 1-based): chr12:102,851,735, C>G on the plus strand (G>C on the coding strand, the complement: PAH is on the minus strand). VCF-style: chr12-102851735-C-G. GRCh37 (hg19) VCF-style: chr12-103245513-C-G.
Other names: NM_000277.2(PAH):c.864G>C; c.864G>C, p.Leu288Phe (NM_001354304.2); c.864G>C (NM_000277.2); short protein forms L288F.
Identifiers: ClinVar variation 102881 (VCV000102881.3), dbSNP rs62507327, ClinGen allele CA229828.

ClinVar aggregate classification (germline): Uncertain significance. Review status: reviewed by expert panel (3 of 4 stars). 3 submissions from 3 submitters: Uncertain significance (1). 2 of the submissions do not count toward it. Last evaluated 2018-12-09.

Conditions:
Phenylketonuria (PKU). Also called: Phenylketonuria (PKU); FOLLING DISEASE; OLIGOPHRENIA PHENYLPYRUVICA; Phenylketonurias. Identifiers: Orphanet 716, MedGen C0031485, MONDO:0009861, OMIM 261600. Disease mechanism: loss of function.

gnomAD v4.1: 1 of 1,614,036 alleles (0.000062%); highest among the groups gnomAD compares: African/African-American, 0.0013%; no homozygotes.

Submissions (3):

ClinGen PAH Variant Curation Expert Panel
Classification: Uncertain significance for Phenylketonuria. Last evaluated: 2018-12-09. Review status: reviewed by expert panel. Criteria: ClinGen PAH ACMG Specifications v1. Collection method: curation. Allele origin: germline. Inheritance: Autosomal recessive inheritance.
Comment: The c.864G>C (p.Leu288Phe) variant in PAH is absent from population databases, and in silico predictors suggest a damaging effect on protein function. It is listed in hPAHdb 2009 McGill, but there is no clinical information on any patient. To our current knowledge (December, 2018), this variant has not been previously reported in the literature. In summary, this variant meets criteria to be classified as uncertain significance for PAH. PAH-specific ACMG/AMP criteria applied: PP4, PM2, PP3.

Natera, Inc.
Classification: Uncertain significance for Phenylketonuria. Last evaluated: 2025-03-03. Review status: no assertion criteria provided. Collection method: clinical testing. Allele origin: germline. Not counted in ClinVar's aggregate classification.

DeBelle Laboratory for Biochemical Genetics, MUHC/MCH RESEARCH INSTITUTE
No classification provided. Review status: no classification provided. Collection method: not provided. Allele origin: not provided. Not counted in ClinVar's aggregate classification.